The following is an entry in ClinVar:

NM_024675.4(PALB2):c.1699C>T (p.His567Tyr)

Gene: PALB2 (partner and localizer of BRCA2; minus strand). Cytogenetic location: 16p12.2.
Variant type: single nucleotide variant.
Coding change: c.1699C>T on transcript NM_024675.4 (MANE Select); coding-DNA position 1699, C replaced by T.
Protein change: p.His567Tyr; replaces histidine 567 with tyrosine.
Molecular consequence: missense variant.
Genome position (GRCh38, 1-based): chr16:23,630,455, G>A on the plus strand (C>T on the coding strand, the complement: PALB2 is on the minus strand). VCF-style: chr16-23630455-G-A. GRCh37 (hg19) VCF-style: chr16-23641776-G-A.
Other names: p.H567Y:CAT>TAT; short protein forms H567Y.
Identifiers: ClinVar variation 126622 (VCV000126622.78), dbSNP rs370422990, ClinGen allele CA288416.

ClinVar aggregate classification (germline): Conflicting classifications of pathogenicity. Review status: criteria provided, conflicting classifications (1 of 4 stars). 19 submissions from 19 submitters: Uncertain significance (7); Benign (1); Likely benign (8). 3 of the submissions do not count toward it. Last evaluated 2026-01-28.

Conditions:
Breast-ovarian cancer, familial, susceptibility to, 5 (BROVCA5). Identifiers: MedGen C5830615, MONDO:0957530, OMIM 620442.
PALB2-related disorder. Also called: PALB2-related condition; PALB2-related disorders.
Hereditary cancer-predisposing syndrome. Also called: Tumor predisposition; Hereditary neoplastic syndrome; Neoplastic Syndromes, Hereditary; Hereditary Cancer Syndrome. Identifiers: Orphanet 140162, MedGen C0027672, MeSH D009386, MONDO:0015356.
Familial cancer of breast. Also called: Hereditary breast cancer; hereditary breast carcinoma; BREAST CANCER, FAMILIAL. Identifiers: Orphanet 227535, MedGen C0346153, MONDO:0016419, OMIM 114480. Disease mechanism: loss of function.
Fanconi anemia complementation group N. Also called: PALB2-Related Fanconi Anemia. Identifiers: Orphanet 84, MedGen C1835817, MONDO:0012565, OMIM 610832. Disease mechanism: loss of function.

Allele frequency attached by ClinVar (database versions not stated): gnomAD 0.00003 and 0.00004; TOPMed 0.00005; ExAC 0.00006; ESP Exome Variant Server 0.00008.
gnomAD v4.1: 106 of 1,612,190 alleles (0.0066%); highest among the groups gnomAD compares: South Asian, 0.0044%; no homozygotes.

Submissions (19):

Labcorp Genetics (formerly Invitae), Labcorp
Classification: Benign for Familial cancer of breast. Last evaluated: 2026-01-28. Review status: criteria provided, single submitter. Criteria: Invitae Variant Classification Sherloc (09022015). Collection method: clinical testing. Allele origin: germline.

PreventionGenetics, part of Exact Sciences
Classification: Likely benign for PALB2-related condition. Last evaluated: 2025-10-13. Review status: criteria provided, single submitter. Criteria: ACMG Guidelines, 2015. Collection method: clinical testing. Allele origin: germline.
Comment: This variant is classified as likely benign based on ACMG/AMP sequence variant interpretation guidelines (Richards et al. 2015 PMID: 25741868, with internal and published modifications).

Center for Genomic Medicine, Rigshospitalet, Copenhagen University Hospital
Classification: Uncertain significance. Last evaluated: 2025-03-04. Review status: criteria provided, single submitter. Criteria: ACMG Guidelines, 2015. Collection method: clinical testing. Allele origin: germline.

Myriad Genetics, Inc.
Classification: Likely benign for Familial cancer of breast. Last evaluated: 2025-01-14. Review status: criteria provided, single submitter. Criteria: Myriad Autosomal Dominant, Autosomal Recessive and X-Linked Classification Criteria (2023). Collection method: clinical testing. Allele origin: unknown.
Comment: This variant is considered likely benign. This variant is strongly associated with less severe personal and family histories of cancer, typical for individuals without pathogenic variants in this gene [PMID: 25085752].

Ambry Genetics
Classification: Likely benign for Hereditary cancer-predisposing syndrome. Last evaluated: 2024-10-17. Review status: criteria provided, single submitter. Criteria: Ambry Variant Classification Scheme 2023. Collection method: clinical testing. Allele origin: germline.

Women's Health and Genetics/Laboratory Corporation of America, LabCorp
Classification: Likely benign. Last evaluated: 2024-10-07. Review status: criteria provided, single submitter. Criteria: LabCorp Variant Classification Summary - May 2015. Collection method: clinical testing. Allele origin: germline.
Comment: Variant summary: PALB2 c.1699C>T (p.His567Tyr) results in a conservative amino acid change in the encoded protein sequence. Five of five in-silico tools predict a benign effect of the variant on protein function. The variant allele was found at a frequency of 6.7e-05 in 1620186 control chromosomes, predominantly at a frequency of 0.00018 within the South Asian subpopulation in the gnomAD database. The observed variant frequency within South Asian control individuals in the gnomAD database is approximately 1.15 fold of the estimated maximal expected allele frequency for a pathogenic variant in PALB2 causing Hereditary Breast And Ovarian Cancer Syndrome phenotype (0.00016). Further, 3 individuals carried this variant in the FLOSSIES database (women >70 years of age with no personal history of cancer). c.1699C>T has been reported in the literature in individuals affected with Hereditary Breast And Ovarian Cancer Syndrome as well as in controls (Tischkowitz_2012, Thompson_2015, Ramus_2015, Tung_2015, Dorling_2021, Delahunty_2022). These reports do not provide unequivocal conclusions about association of the variant with Hereditary Breast And Ovarian Cancer Syndrome. To our knowledge, no experimental evidence demonstrating an impact on protein function has been reported. The following publications have been ascertained in the context of this evaluation (PMID: 35263119, 33471991, 26315354, 26283626, 22241545, 25186627, 31843900, 38439815). ClinVar contains an entry for this variant (Variation ID: 126622). Based on the evidence outlined above, the variant was classified as likely benign.

Blueprint Genetics
Classification: Likely benign. Last evaluated: 2024-08-21. Review status: criteria provided, single submitter. Criteria: ACMG Guidelines, 2015. Collection method: clinical testing. Allele origin: germline.

Quest Diagnostics Nichols Institute San Juan Capistrano
Classification: Uncertain significance. Last evaluated: 2023-09-14. Review status: criteria provided, single submitter. Criteria: Quest Diagnostics criteria. Collection method: clinical testing. Allele origin: unknown.
Comment: In the published literature, this variant has been reported in individuals affected with breast and/or ovarian cancer (PMIDs: 22241545 (2012), 25186627 (2015), 33471991 (2021) see also LOVD, 35263119 (2022)) and in healthy individuals (PMIDs: 26283626 (2015), 26315354 (2015), 33471991 (2021) see also LOVD). The frequency of this variant in the general population, 0.001 (10/9914 chromosomes), is uninformative in assessment of its pathogenicity. Analysis of this variant using bioinformatics tools for the prediction of the effect of amino acid changes on protein structure and function yielded predictions that this variant is benign. Based on the available information, we are unable to determine the clinical significance of this variant.

GeneDx
Classification: Uncertain significance. Last evaluated: 2023-09-07. Review status: criteria provided, single submitter. Criteria: GeneDx Variant Classification Process June 2021. Collection method: clinical testing. Allele origin: germline. Affected: yes.
Comment: In silico analysis supports that this missense variant does not alter protein structure/function; Observed in individuals with breast cancer, as well as unaffected controls (Tischkowitz et al., 2012; Tung et al., 2015; Dorling et al., 2021); This variant is associated with the following publications: (PMID: 25186627, 22241545, 26283626, 26315354, 31843900, 33471991)

Institute for Biomarker Research, Medical Diagnostic Laboratories, L.L.C.
Classification: Likely benign for Hereditary cancer-predisposing syndrome. Last evaluated: 2023-03-30. Review status: criteria provided, single submitter. Criteria: ACMG Guidelines, 2015. Collection method: clinical testing. Allele origin: germline.

Department of Pathology and Laboratory Medicine, Sinai Health System
Classification: Uncertain significance for Breast-ovarian cancer, familial, susceptibility to, 5. Last evaluated: 2022-06-15. Review status: criteria provided, single submitter. Criteria: ACMG Guidelines, 2015. Collection method: clinical testing. Allele origin: germline. Affected: yes.

CeGaT Center for Human Genetics Tuebingen
Classification: Uncertain significance. Last evaluated: 2021-11-01. Review status: criteria provided, single submitter. Criteria: CeGaT Center For Human Genetics Tuebingen Variant Classification Criteria Version 2. Collection method: clinical testing. Allele origin: germline. Affected: yes. Observed: 1 variant allele.

Color Diagnostics, LLC DBA Color Health
Classification: Likely benign for Hereditary cancer-predisposing syndrome. Last evaluated: 2021-08-12. Review status: criteria provided, single submitter. Criteria: ACMG Guidelines, 2015. Collection method: clinical testing. Allele origin: germline.

Sema4
Classification: Likely benign for Hereditary cancer-predisposing syndrome. Last evaluated: 2020-08-26. Review status: criteria provided, single submitter. Criteria: Sema4 Curation Guidelines. Collection method: curation. Allele origin: germline.

Baylor Genetics
Classification: Uncertain significance for Fanconi anemia complementation group N. Last evaluated: 2019-01-20. Review status: criteria provided, single submitter. Criteria: ACMG Guidelines, 2015. Collection method: clinical testing. Allele origin: paternal. Affected: yes. Study: CSER-TexasKidsCanSeq.
Comment: This variant was determined to be of uncertain significance according to ACMG Guidelines, 2015 [PMID:25741868].

Cancer Genetics Laboratory, Peter MacCallum Cancer Centre
Classification: Uncertain significance for Familial cancer of breast. Last evaluated: 2015-06-01. Review status: criteria provided, single submitter. Criteria: Thompson et al. (Breast Cancer Res. 2015). Collection method: case-control. Allele origin: germline. Affected: no. Observed: 1 variant allele, 1 heterozygote.

King Laboratory, University of Washington
Classification: Benign. Last evaluated: 2019-09-01. Review status: no assertion criteria provided. Collection method: research. Allele origin: germline. Affected: yes. Not counted in ClinVar's aggregate classification.
Comment: Transcript analysis by cBROCA

Leiden Open Variation Database
Classification: Uncertain significance for Familial cancer of breast. Last evaluated: 2019-05-13. Review status: no assertion criteria provided. Collection method: curation. Allele origin: germline. Affected: no. Not counted in ClinVar's aggregate classification.
Comment: Curators: Marc Tischkowitz, Arleen D. Auerbach. Submitters to LOVD: Marc Tischkowitz, Melissa DeRycke.

True Health Diagnostics
Classification: Uncertain significance for Hereditary cancer-predisposing syndrome. Last evaluated: 2017-08-04. Review status: no assertion criteria provided. Collection method: clinical testing. Allele origin: germline. Not counted in ClinVar's aggregate classification.

Literature cited by the submitters: PubMed 25085752 (cited by Myriad Genetics, Inc.); PubMed 25186627 (cited by 5 submitters); PubMed 26283626 (cited by 4 submitters); PubMed 26315354 (cited by 4 submitters); PubMed 22241545 (cited by 4 submitters); PubMed 33471991 (cited by Women's Health and Genetics/Laboratory Corporation of America, LabCorp and Quest Diagnostics Nichols Institute San Juan Capistrano); PubMed 35263119 (cited by Women's Health and Genetics/Laboratory Corporation of America, LabCorp and Quest Diagnostics Nichols Institute San Juan Capistrano); PubMed 31843900 (cited by Quest Diagnostics Nichols Institute San Juan Capistrano and King Laboratory, University of Washington).